The following is an entry in ClinVar:

NM_001035.3(RYR2):c.3067-157G>C

Gene: RYR2 (ryanodine receptor 2; plus strand). Cytogenetic location: 1q43.
Variant type: single nucleotide variant.
Coding change: c.3067-157G>C on transcript NM_001035.3 (MANE Select); 157 bases into the intron before coding-DNA position 3067, G replaced by C.
Molecular consequence: intron variant.
Genome position (GRCh38, 1-based): chr1:237,550,387, G>C. VCF-style: chr1-237550387-G-C. GRCh37 (hg19) VCF-style: chr1-237713687-G-C.
Identifiers: ClinVar variation 675754 (VCV000675754.1), dbSNP rs13373910, ClinGen allele CA10934852.

ClinVar aggregate classification (germline): Likely benign (1 of 4 stars; one submission).

Allele frequency attached by ClinVar (database versions not stated): gnomAD 0.00717; TOPMed 0.00757; 1000 Genomes Project 0.00779; 1000 Genomes Project 30x 0.00859.
gnomAD v4.1: 1,046 of 152,192 alleles (0.69%); highest among the groups gnomAD compares: African/African-American, 2.4%; 9 homozygotes.

Submission:

GeneDx
Classification: Likely benign. Last evaluated: 2018-06-14. Review status: criteria provided, single submitter. Criteria: GeneDx Variant Classification (06012015). Collection method: clinical testing. Allele origin: germline. Affected: yes.
Comment: This variant is considered likely benign or benign based on one or more of the following criteria: it is a conservative change, it occurs at a poorly conserved position in the protein, it is predicted to be benign by multiple in silico algorithms, and/or has population frequency not consistent with disease.